The following is an entry in ClinVar:

NM_000465.4(BARD1):c.1432G>T (p.Glu478Ter)

Gene: BARD1 (BRCA1 associated RING domain 1; minus strand). Cytogenetic location: 2q35.
Variant type: single nucleotide variant.
Coding change: c.1432G>T on transcript NM_000465.4 (MANE Select); coding-DNA position 1432, G replaced by T.
Protein change: p.Glu478Ter; replaces glutamic acid 478 with a stop codon.
Molecular consequence: nonsense. On other transcripts: non-coding transcript variant (3), intron variant (3).
Genome position (GRCh38, 1-based): chr2:214,767,618, C>A on the plus strand (G>T on the coding strand, the complement: BARD1 is on the minus strand). VCF-style: chr2-214767618-C-A. GRCh37 (hg19) VCF-style: chr2-215632342-C-A.
Other names: c.1375G>T, p.Glu459Ter (NM_001282543.2); c.159-15063G>T (NM_001282548.2); c.216-15063G>T (NM_001282545.2); c.364+24679G>T (NM_001282549.2); short protein forms E459*, E478*.
Identifiers: ClinVar variation 4876163 (VCV004876163.1).
Genomic context (GRCh38, chr2:214,767,618, plus strand): 5'-GTGGTGAGTCATTTTGATACCCGGTGGTGTTCACCAATGCCTTATGCTGGAGCAATAATT[C>A]CACTACCTTCAGGTGCCCATGATTGCAAGCTTCATGCTAATTAAATTTTTTGAAAAAGAA-3'

ClinVar aggregate classification (germline): Pathogenic (1 of 4 stars; one submission).

Conditions:
Familial cancer of breast. Also called: BREAST CANCER, FAMILIAL; Hereditary breast cancer; hereditary breast carcinoma. Identifiers: Orphanet 227535, MedGen C0346153, MONDO:0016419, OMIM 114480. Disease mechanism: loss of function.

Submission:

Myriad Genetics, Inc.
Classification: Pathogenic for Familial cancer of breast. Last evaluated: 2026-05-27. Review status: criteria provided, single submitter. Criteria: Myriad Autosomal Dominant, Autosomal Recessive and X-Linked Classification Criteria (2023). Collection method: clinical testing. Allele origin: unknown.
Comment: This variant is considered pathogenic. This variant creates a termination codon and is predicted to result in premature protein truncation.